The following is an entry in ClinVar:

ClinVar aggregate classification (germline): Conflicting classifications of pathogenicity. Review status: criteria provided, conflicting classifications (1 of 4 stars). 2 submissions from 2 submitters: Pathogenic (1); Uncertain significance (1). Last evaluated 2026-04-28.

Conditions:
Muscular dystrophy, limb-girdle, autosomal recessive 26. Identifiers: MedGen C5394268, MONDO:0030014, OMIM 618848.

Submissions (2):

Ambry Genetics
Classification: Pathogenic. Last evaluated: 2026-04-28. Review status: criteria provided, single submitter. Criteria: Ambry Variant Classification Scheme 2023. Collection method: clinical testing. Allele origin: germline.
Comment: The c.316C>T (p.R106*) alteration, located in exon 2 (coding exon 1) of the POPDC3 gene, consists of a C to T substitution at nucleotide position 316. This changes the amino acid from an arginine (R) to a stop codon at amino acid position 106. This variant is expected to result in loss of function by premature protein truncation or nonsense-mediated mRNA decay. Based on data from gnomAD, the T allele has an overall frequency of 0.002% (6/251414) total alleles studied. The highest observed frequency was 0.013% (4/30616) of South Asian alleles. This variant has been identified in the homozygous state and/or in conjunction with other POPDC3 variant(s) in individual(s) with features consistent with POPDC3-related limb-girdle muscular dystrophy (Baskar, 2025). Based on the available evidence, this alteration is classified as pathogenic.

Kariminejad - Najmabadi Pathology & Genetics Center
Classification: Uncertain significance for Muscular dystrophy, limb-girdle, autosomal recessive 26. Last evaluated: 2021-02-13. Review status: criteria provided, single submitter. Criteria: ACMG Guidelines, 2015. Collection method: clinical testing. Allele origin: germline. Inheritance: Autosomal recessive inheritance. Affected: yes.
Comment: PM2,PP3

Literature cited by the submitters: PubMed 41026953 (cited by Ambry Genetics).

NM_022361.5(POPDC3):c.316C>T (p.Arg106Ter)

Genes: POPDC1-AS1 (POPDC1 antisense RNA 1; plus strand), POPDC3 (popeye domain cAMP effector 3; minus strand). Cytogenetic location: 6q21.
Variant type: single nucleotide variant.
Coding change: c.316C>T on transcript NM_022361.5 (MANE Select); coding-DNA position 316, C replaced by T.
Protein change: p.Arg106Ter; replaces arginine 106 with a stop codon.
Molecular consequence: nonsense.
Genome position (GRCh38, 1-based): chr6:105,161,594, G>A on the plus strand (C>T on the coding strand, the complement: POPDC3 is on the minus strand). VCF-style: chr6-105161594-G-A. GRCh37 (hg19) VCF-style: chr6-105609469-G-A.
Other names: c.316C>T (NM_022361.4); short protein forms R106*.
Identifiers: ClinVar variation 3896961 (VCV003896961.2).